The following is an entry in ClinVar:

NM_002474.3(MYH11):c.5099A>T (p.Glu1700Val)

Genes: NDE1 (nudE neurodevelopment protein 1; plus strand), MYH11 (myosin heavy chain 11; minus strand). Cytogenetic location: 16p13.11.
Variant type: single nucleotide variant.
Coding change: c.5099A>T on transcript NM_002474.3 (MANE Select); coding-DNA position 5099, A replaced by T.
Protein change: p.Glu1700Val; replaces glutamic acid 1700 with valine.
Molecular consequence: missense variant. On other transcripts: intron variant (2).
Genome position (GRCh38, 1-based): chr16:15,719,292, T>A on the plus strand (A>T on the coding strand, the complement: MYH11 is on the minus strand). VCF-style: chr16-15719292-T-A. GRCh37 (hg19) VCF-style: chr16-15813149-T-A.
Other names: c.5120A>T, p.Glu1707Val (NM_001040113.2, NM_001040114.2); c.5099A>T, p.Glu1700Val (NM_022844.3); c.948-4899T>A (NM_001143979.2, NM_017668.3); short protein forms E1700V, E1707V.
Identifiers: ClinVar variation 920484 (VCV000920484.5), dbSNP rs2040339703, ClinGen allele CA394850980.

ClinVar aggregate classification (germline): Uncertain significance. Review status: criteria provided, multiple submitters, no conflicts (2 of 4 stars). 2 submissions from 2 submitters: Uncertain significance (2). Last evaluated 2024-03-06.

Conditions:
Familial thoracic aortic aneurysm and aortic dissection (TAAD). Also called: Thoracic aortic aneurysms and dissections. Identifiers: Orphanet 91387, MedGen C4707243, MONDO:0019625.

Submissions (2):

Color Diagnostics, LLC DBA Color Health
Classification: Uncertain significance for Familial thoracic aortic aneurysm and aortic dissection. Last evaluated: 2024-03-06. Review status: criteria provided, single submitter. Criteria: ACMG Guidelines, 2015. Collection method: clinical testing. Allele origin: germline.
Comment: This missense variant replaces glutamic acid with valine at codon 1707 of the MYH11 protein. Computational prediction tool suggests that this variant may have deleterious impact on protein structure and function (internally defined REVEL score threshold >=0.7, PMID: 27666373). Splice site prediction tools suggest that this variant may not impact RNA splicing. To our knowledge, functional studies have not been performed for this variant. This variant has not been reported in individuals affected with cardiovascular disorders in the literature. This variant has not been identified in the general population by the Genome Aggregation Database (gnomAD). The available evidence is insufficient to determine the role of this variant in disease conclusively. Therefore, this variant is classified as a Variant of Uncertain Significance.

All of Us Research Program, National Institutes of Health
Classification: Uncertain significance for Familial thoracic aortic aneurysm and aortic dissection. Last evaluated: 2023-08-15. Review status: criteria provided, single submitter. Criteria: ACMG Guidelines, 2015. Collection method: clinical testing. Allele origin: germline. Inheritance: Autosomal dominant inheritance. Observed: 1 variant allele, 1 heterozygote.
Comment: This missense variant replaces glutamic acid with valine at codon 1707 of the MYH11 protein. Computational prediction tool suggests that this variant may have deleterious impact on protein structure and function (internally defined REVEL score threshold >=0.7, PMID: 27666373). Splice site prediction tools suggest that this variant may not impact RNA splicing. To our knowledge, functional studies have not been performed for this variant. This variant has not been reported in individuals affected with cardiovascular disorders in the literature. This variant has not been identified in the general population by the Genome Aggregation Database (gnomAD). The available evidence is insufficient to determine the role of this variant in disease conclusively. Therefore, this variant is classified as a Variant of Uncertain Significance.

This study involves interpretation of variants in research participants for the purpose of population health screening. Participant phenotype was not available at the time of variant classification. Additional details can be found in publication PMID: 35346344, PMCID: PMC8962531